The following is an entry in ClinVar:

ClinVar aggregate classification (germline): Likely benign. Review status: criteria provided, multiple submitters, no conflicts (2 of 4 stars). 2 submissions from 2 submitters: Likely benign (2). Last evaluated 2023-11-20.

Conditions:
Malignant hyperthermia, susceptibility to, 1 (MHS1). Also called: RYR1-Related Malignant Hyperthermia Susceptibility; Malignant hyperthermia suceptibility 1; Anesthesia related hyperthermia; Malignant hyperpyrexia; Fulminating hyperpyrexia; Pharmacogenic myopathy. Identifiers: Orphanet 423, MedGen C2930980, MONDO:0007783, OMIM 145600.

gnomAD v4.1: 3 of 1,613,778 alleles (0.00019%); highest among the groups gnomAD compares: South Asian, 0.0022%; no homozygotes.

Submissions (2):

All of Us Research Program, National Institutes of Health
Classification: Likely benign for Malignant hyperthermia, susceptibility to, 1. Last evaluated: 2023-11-20. Review status: criteria provided, single submitter. Criteria: ACMG Guidelines, 2015. Collection method: clinical testing. Allele origin: germline. Inheritance: Autosomal dominant inheritance. Observed: 1 variant allele, 1 heterozygote.
Comment: This study involves interpretation of variants in research participants for the purpose of population health screening. Participant phenotype was not available at the time of variant classification. Additional details can be found in publication PMID: 35346344, PMCID: PMC8962531

GeneDx
Classification: Likely benign. Last evaluated: 2017-01-16. Review status: criteria provided, single submitter. Criteria: GeneDx Variant Classification (06012015). Collection method: clinical testing. Allele origin: germline. Affected: yes.
Comment: This variant is considered likely benign or benign based on one or more of the following criteria: it is a conservative change, it occurs at a poorly conserved position in the protein, it is predicted to be benign by multiple in silico algorithms, and/or has population frequency not consistent with disease.

NM_000540.3(RYR1):c.11985C>T (p.Phe3995=)

Gene: RYR1 (ryanodine receptor 1; plus strand). Cytogenetic location: 19q13.2.
Variant type: single nucleotide variant.
Coding change: c.11985C>T on transcript NM_000540.3 (MANE Select); coding-DNA position 11985, C replaced by T.
Protein change: p.Phe3995=; no amino-acid change (phenylalanine 3995 retained).
Molecular consequence: synonymous variant.
Genome position (GRCh38, 1-based): chr19:38,543,848, C>T. VCF-style: chr19-38543848-C-T. GRCh37 (hg19) VCF-style: chr19-39034488-C-T.
Other names: c.11970C>T, p.Phe3990= (NM_001042723.2).
Identifiers: ClinVar variation 392746 (VCV000392746.2), dbSNP rs536629932, ClinGen allele CA16608147.